The following is an entry in ClinVar:

NM_175737.4(KLB):c.3058C>A (p.Gln1020Lys)

Gene: KLB (klotho beta; plus strand). Cytogenetic location: 4p14.
Variant type: single nucleotide variant.
Coding change: c.3058C>A on transcript NM_175737.4 (MANE Select); coding-DNA position 3058, C replaced by A.
Protein change: p.Gln1020Lys; replaces glutamine 1020 with lysine.
Molecular consequence: missense variant.
Genome position (GRCh38, 1-based): chr4:39,448,609, C>A. VCF-style: chr4-39448609-C-A. GRCh37 (hg19) VCF-style: chr4-39450229-C-A.
Other names: short protein forms Q1020K.
Identifiers: ClinVar variation 1287276 (VCV001287276.12), dbSNP rs4975017, ClinGen allele CA2894160.

ClinVar aggregate classification (germline): Benign. Review status: criteria provided, multiple submitters, no conflicts (2 of 4 stars). 4 submissions from 4 submitters: Benign (3). 1 of the submissions does not count toward it. Last evaluated 2026-02-04.

Conditions:
KLB-related disorder. Also called: KLB-related condition.

Allele frequency attached by ClinVar (database versions not stated): TOPMed 0.28049; gnomAD 0.28957 and 0.28229; 1000 Genomes Project 0.32827; ESP Exome Variant Server 0.26726; 1000 Genomes Project 30x 0.32511; gnomAD exomes 0.33326 and 0.34953; ExAC 0.34304.
gnomAD v4.1: 529,303 of 1,613,676 alleles (33%); highest among the groups gnomAD compares: South Asian, 43%; 89,808 homozygotes.

Submissions (4):

Labcorp Genetics (formerly Invitae), Labcorp
Classification: Benign. Last evaluated: 2026-02-04. Review status: criteria provided, single submitter. Criteria: Invitae Variant Classification Sherloc (09022015). Collection method: clinical testing. Allele origin: germline.

GeneDx
Classification: Benign. Last evaluated: 2021-02-05. Review status: criteria provided, single submitter. Criteria: GeneDx Variant Classification Process June 2021. Collection method: clinical testing. Allele origin: germline. Affected: yes.

Breakthrough Genomics
Classification: Benign. Review status: criteria provided, single submitter. Criteria: ACMG Guidelines, 2015. Collection method: not provided. Allele origin: germline. Inheritance: Unknown mechanism. Affected: yes.

PreventionGenetics, part of Exact Sciences
Classification: Benign for KLB-related condition. Last evaluated: 2019-10-18. Review status: no assertion criteria provided. Collection method: clinical testing. Allele origin: germline. Not counted in ClinVar's aggregate classification.
Comment: This variant is classified as benign based on ACMG/AMP sequence variant interpretation guidelines (Richards et al. 2015 PMID: 25741868, with internal and published modifications).